The following is an entry in ClinVar:

ClinVar aggregate classification (germline): Likely benign. Review status: criteria provided, single submitter (1 of 4 stars). 2 submissions from 2 submitters: Likely benign (1). 1 of the submissions does not count toward it. Last evaluated 2025-05-15.

Conditions:
HEMOGLOBIN JACKSON.

Allele frequency attached by ClinVar (database versions not stated): gnomAD 0.00001; gnomAD exomes below 0.00001; TOPMed below 0.00001.
gnomAD v4.1: 3 of 1,613,614 alleles (0.00019%); highest among the groups gnomAD compares: Non-Finnish European, 0.00025%; no homozygotes.

Submissions (2):

ARUP Laboratories, Molecular Genetics and Genomics, ARUP Laboratories
Classification: Likely benign. Last evaluated: 2025-05-15. Review status: criteria provided, single submitter. Criteria: ARUP Molecular Germline Variant Investigation Process 2024. Collection method: clinical testing. Allele origin: germline.
Comment: The Hb Jackson variant (HBA1 or HBA2 : c.384G>T; p.Lys128Asn, also known as Lys127Asn when numbered from the mature protein, rs63749865, HbVar ID:194, ClinVar Variation ID: 15766) is reported in the literature in multiple asymptomatic individuals in the heterozygous state (see HbVar link, Lam 1983, Moo-Penn 1976). However, the phenotype of this variant in the presence of other alpha globin variants is unknown. This variant is absent from the Genome Aggregation Database (v2.1.1), indicating it is not a common polymorphism. Computational analyses predict that this variant is deleterious (REVEL: 0.769). Based on available information, this variant is considered to be likely benign. References: Link to HbVar database: Lam H et al. Identification of the alpha chain abnormal hemoglobin Jackson (alpha 127 Lys leads to Asn) after isolation of the core peptide by high-performance liquid chromatography. J Chromatogr. 1983 Oct 28;269(2):119-22. PMID: 6655018. Moo-Penn WF et al. Hemoglobin Jackson, alpha 127 (H10) Lys replaced by Asn. Am J Clin Pathol. 1976 Aug;66(2):453-6. PMID: 949045.

OMIM
Classification: other for HEMOGLOBIN JACKSON. Last evaluated: 2016-07-20. Review status: no assertion criteria provided. Collection method: literature only. Allele origin: germline. Not counted in ClinVar's aggregate classification.

Literature cited by the submitters: PubMed 949045 (cited by OMIM).

NM_000558.5(HBA1):c.384G>C (p.Lys128Asn)

Genes: HBA1 (hemoglobin subunit alpha 1; plus strand), LOC106804613 (hemoglobin subunit alpha 1 recombination region; plus strand). Cytogenetic location: 16p13.3.
Variant type: single nucleotide variant.
Coding change: c.384G>C on transcript NM_000558.5 (MANE Select); coding-DNA position 384, G replaced by C.
Protein change: p.Lys128Asn; replaces lysine 128 with asparagine.
Molecular consequence: missense variant.
Genome position (GRCh38, 1-based): chr16:177,366, G>C. VCF-style: chr16-177366-G-C. GRCh37 (hg19) VCF-style: chr16-227365-G-C.
Other names: K127N; short protein forms K128N.
Identifiers: ClinVar variation 15766 (VCV000015766.3), dbSNP rs63749865, ClinGen allele CA125795.